The following is an entry in ClinVar:

ClinVar aggregate classification (germline): Likely pathogenic. Review status: criteria provided, multiple submitters, no conflicts (2 of 4 stars). 2 submissions from 2 submitters: Likely pathogenic (2). Last evaluated 2026-07-24.

Conditions:
Familial ovarian cancer. Identifiers: MedGen C5679802, MONDO:0016248.
Hereditary cancer-predisposing syndrome. Also called: Neoplastic Syndromes, Hereditary; Tumor predisposition; Hereditary Cancer Syndrome; Hereditary neoplastic syndrome. Identifiers: Orphanet 140162, MedGen C0027672, MeSH D009386, MONDO:0015356.

Submissions (2):

Ambry Genetics
Classification: Likely pathogenic for Hereditary cancer-predisposing syndrome. Last evaluated: 2026-07-24. Review status: criteria provided, single submitter. Criteria: Ambry Variant Classification Scheme 2023. Collection method: clinical testing. Allele origin: germline.
Comment: The c.144+1G>A intronic variant results from a G to A substitution one nucleotide after coding exon 2 of the RAD51D gene. This nucleotide position is highly conserved in available vertebrate species. In silico splice site analysis predicts that this alteration will weaken the native splice donor site; however, direct evidence is insufficient at this time (Ambry internal data). This variant is considered to be rare based on population cohorts in the Genome Aggregation Database (gnomAD). Alterations that disrupt the canonical splice site are expected to cause aberrant splicing, resulting in an abnormal protein or a transcript that is subject to nonsense-mediated mRNA decay. As such, this alteration is classified as likely pathogenic.

Molecular Pathology, Peter Maccallum Cancer Centre
Classification: Likely pathogenic for Familial ovarian cancer. Last evaluated: 2024-03-13. Review status: criteria provided, single submitter. Criteria: ACMG Guidelines, 2015. Collection method: clinical testing. Allele origin: germline. Inheritance: Autosomal dominant inheritance.

NM_002878.4(RAD51D):c.144+1G>A

Genes: RAD51D (RAD51 paralog D; minus strand), RAD51L3-RFFL (RAD51L3-RFFL readthrough; minus strand). Cytogenetic location: 17q12.
Variant type: single nucleotide variant.
Coding change: c.144+1G>A on transcript NM_002878.4 (MANE Select); the canonical splice donor site of the intron after coding-DNA position 144, G replaced by A.
Molecular consequence: splice donor variant.
Genome position (GRCh38, 1-based): chr17:35,119,110, C>T on the plus strand (G>A on the coding strand, the complement: RAD51D is on the minus strand). VCF-style: chr17-35119110-C-T. GRCh37 (hg19) VCF-style: chr17-33446129-C-T.
Other names: c.144+1G>A (NM_133629.3, NM_001142571.2).
Identifiers: ClinVar variation 4056282 (VCV004056282.2).